The following is an entry in ClinVar:

ClinVar aggregate classification (germline): Uncertain significance (1 of 4 stars; one submission).

Conditions:
Neuropathy, hereditary sensory, type 1F. Also called: Hereditary sensory neuropathy type IF; HSN IF. Identifiers: Orphanet 36386, MedGen C3810194, MONDO:0014286, OMIM 615632.

Submission:

Labcorp Genetics (formerly Invitae), Labcorp
Classification: Uncertain significance for Neuropathy, hereditary sensory, type 1F. Last evaluated: 2024-02-19. Review status: criteria provided, single submitter. Criteria: Invitae Variant Classification Sherloc (09022015). Collection method: clinical testing. Allele origin: germline.
Comment: This sequence change replaces alanine, which is neutral and non-polar, with glycine, which is neutral and non-polar, at codon 394 of the ATL3 protein (p.Ala394Gly). This variant is not present in population databases (gnomAD no frequency). This variant has not been reported in the literature in individuals affected with ATL3-related conditions. Advanced modeling of protein sequence and biophysical properties (such as structural, functional, and spatial information, amino acid conservation, physicochemical variation, residue mobility, and thermodynamic stability) performed at Invitae indicates that this missense variant is not expected to disrupt ATL3 protein function with a negative predictive value of 80%. In summary, the available evidence is currently insufficient to determine the role of this variant in disease. Therefore, it has been classified as a Variant of Uncertain Significance.

NM_015459.5(ATL3):c.1181C>G (p.Ala394Gly)

Genes: ATL3 (atlastin GTPase 3; minus strand), LNCROPM (lncRNA regulator of PLAAT3 mediated phospholipid metabolism; plus strand), LOC126861231 (CDK7 strongly-dependent group 2 enhancer GRCh37_chr11:63398741-63399940; plus strand). Cytogenetic location: 11q13.1.
Variant type: single nucleotide variant.
Coding change: c.1181C>G on transcript NM_015459.5 (MANE Select); coding-DNA position 1181, C replaced by G.
Protein change: p.Ala394Gly; replaces alanine 394 with glycine.
Molecular consequence: missense variant.
Genome position (GRCh38, 1-based): chr11:63,631,398, G>C on the plus strand (C>G on the coding strand, the complement: ATL3 is on the minus strand). VCF-style: chr11-63631398-G-C. GRCh37 (hg19) VCF-style: chr11-63398870-G-C.
Other names: c.1127C>G, p.Ala376Gly (NM_001290048.2); short protein forms A394G, A376G.
Identifiers: ClinVar variation 3642066 (VCV003642066.2).